The following is an entry in ClinVar:

NM_005529.7(HSPG2):c.13159C>T (p.Arg4387Cys)

Genes: HSPG2 (heparan sulfate proteoglycan 2; minus strand), LDLRAD2 (low density lipoprotein receptor class A domain containing 2; plus strand). Cytogenetic location: 1p36.12.
Variant type: single nucleotide variant.
Coding change: c.13159C>T on transcript NM_005529.7 (MANE Select); coding-DNA position 13159, C replaced by T.
Protein change: p.Arg4387Cys; replaces arginine 4387 with cysteine.
Molecular consequence: missense variant. On other transcripts: 3 prime UTR variant (1).
Genome position (GRCh38, 1-based): chr1:21,823,333, G>A on the plus strand (C>T on the coding strand, the complement: HSPG2 is on the minus strand). VCF-style: chr1-21823333-G-A. GRCh37 (hg19) VCF-style: chr1-22149826-G-A.
Other names: c.13162C>T, p.Arg4388Cys (NM_001291860.2); c.*1118G>A (NM_001013693.3); short protein forms R4387C, R4388C.
Identifiers: ClinVar variation 811265 (VCV000811265.15), dbSNP rs767431377, ClinGen allele CA19145156.

ClinVar aggregate classification (germline): Uncertain significance. Review status: criteria provided, multiple submitters, no conflicts (2 of 4 stars). 2 submissions from 2 submitters: Uncertain significance (2). Last evaluated 2024-10-22.

Allele frequency attached by ClinVar (database versions not stated): gnomAD 0.00001; TOPMed 0.00001.
gnomAD v4.1: 51 of 1,541,150 alleles (0.0033%); highest among the groups gnomAD compares: Admixed American, 0.0039%; no homozygotes.

Submissions (2):

Labcorp Genetics (formerly Invitae), Labcorp
Classification: Uncertain significance. Last evaluated: 2024-10-22. Review status: criteria provided, single submitter. Criteria: Invitae Variant Classification Sherloc (09022015). Collection method: clinical testing. Allele origin: germline.
Comment: This sequence change replaces arginine, which is basic and polar, with cysteine, which is neutral and slightly polar, at codon 4387 of the HSPG2 protein (p.Arg4387Cys). The frequency data for this variant in the population databases is considered unreliable, as metrics indicate poor data quality at this position in the gnomAD database. This variant has not been reported in the literature in individuals affected with HSPG2-related conditions. ClinVar contains an entry for this variant (Variation ID: 811265). An algorithm developed to predict the effect of missense changes on protein structure and function (PolyPhen-2) suggests that this variant is likely to be disruptive. In summary, the available evidence is currently insufficient to determine the role of this variant in disease. Therefore, it has been classified as a Variant of Uncertain Significance.

ARUP Laboratories, Molecular Genetics and Genomics, ARUP Laboratories
Classification: Uncertain significance. Last evaluated: 2019-01-23. Review status: criteria provided, single submitter. Criteria: ARUP Molecular Germline Variant Investigation Process. Collection method: clinical testing. Allele origin: germline.
Comment: The HSPG2 c.13159C>T; p.Arg4387Cys variant (rs767431377), to our knowledge, is not described in the medical literature or in gene-specific databases. It is observed in the general population at a low overall frequency of 0.0036% (5/140012 alleles) in the Genome Aggregation Database. The arginine at codon 4387 is weakly conserved, but computational algorithms (PolyPhen-2, SIFT) predict that this variant is deleterious. Due to the lack of clinical and functional data regarding this variant, its clinical significance cannot be determined with certainty.